The following is an entry in ClinVar:

NM_000059.4(BRCA2):c.7008-886G>A

Gene: BRCA2 (BRCA2 DNA repair associated; plus strand). Cytogenetic location: 13q13.1.
Variant type: single nucleotide variant.
Coding change: c.7008-886G>A on transcript NM_000059.4 (MANE Select); 886 bases into the intron before coding-DNA position 7008, G replaced by A.
Molecular consequence: intron variant.
Genome position (GRCh38, 1-based): chr13:32,353,975, G>A. VCF-style: chr13-32353975-G-A. GRCh37 (hg19) VCF-style: chr13-32928112-G-A.
Other names: IVS 13-886G>A.
Identifiers: ClinVar variation 209752 (VCV000209752.1), dbSNP rs9943890, ClinGen allele CA276720.

ClinVar aggregate classification (germline): Benign (3 of 4 stars; one submission).

Conditions:
Breast-ovarian cancer, familial, susceptibility to, 2 (BROVCA2). Also called: BRCA2 Hereditary Breast and Ovarian Cancer. Identifiers: Orphanet 145, MedGen C2675520, MONDO:0012933, OMIM 612555. Disease mechanism: loss of function.

Allele frequency attached by ClinVar (database versions not stated): 1000 Genomes Project 0.20847; 1000 Genomes Project 30x 0.21081; TOPMed 0.25329; gnomAD 0.25794 and 0.26425.
gnomAD v4.1: 39,189 of 152,106 alleles (26%); highest among the groups gnomAD compares: Non-Finnish European, 27%; 5,281 homozygotes.

Submission:

Evidence-based Network for the Interpretation of Germline Mutant Alleles (ENIGMA)
Classification: Benign for Breast-ovarian cancer, familial 2. Last evaluated: 2015-01-12. Review status: reviewed by expert panel. Criteria: ENIGMA BRCA1/2 Classification Criteria (2015). Collection method: curation. Allele origin: germline.
Comment: Class 1 not pathogenic based on frequency >1% in an outbred sampleset. Frequency 0.06294 (Asian), 0.3232 (African), 0.2836 (European), derived from 1000 genomes (2012-04-30).